The following is an entry in ClinVar:

ClinVar aggregate classification (germline): Conflicting classifications of pathogenicity. Review status: criteria provided, conflicting classifications (1 of 4 stars). 20 submissions from 20 submitters: Uncertain significance (4); Benign (1); Likely benign (10). 5 of the submissions do not count toward it. Last evaluated 2026-02-02.

Conditions:
Breast-ovarian cancer, familial, susceptibility to, 5 (BROVCA5). Identifiers: MedGen C5830615, MONDO:0957530, OMIM 620442.
PALB2-related disorder. Also called: PALB2-related disorders; PALB2-related condition.
Hereditary cancer-predisposing syndrome. Also called: Hereditary neoplastic syndrome; Hereditary Cancer Syndrome; Neoplastic Syndromes, Hereditary; Tumor predisposition. Identifiers: Orphanet 140162, MedGen C0027672, MeSH D009386, MONDO:0015356.
Breast and/or ovarian cancer. Identifiers: MedGen CN221562.
Hereditary breast ovarian cancer syndrome. Also called: BRCA1- and BRCA2-Associated Hereditary Breast and Ovarian Cancer; Hereditary breast and ovarian cancer syndrome; Hereditary breast and ovarian cancer syndrome (HBOC); Hereditary breast and ovarian cancer; Breast and ovarian cancer; Hereditary breast and/or ovarian cancer syndrome. Identifiers: Orphanet 145, MedGen C0677776, MeSH D061325, MONDO:0003582. Disease mechanism: loss of function.
Familial cancer of breast. Also called: BREAST CANCER, FAMILIAL; hereditary breast carcinoma; Hereditary breast cancer. Identifiers: Orphanet 227535, MedGen C0346153, MONDO:0016419, OMIM 114480. Disease mechanism: loss of function.
Fanconi anemia complementation group N. Also called: PALB2-Related Fanconi Anemia. Identifiers: Orphanet 84, MedGen C1835817, MONDO:0012565, OMIM 610832. Disease mechanism: loss of function.
Malignant tumor of breast. Also called: Malignant breast neoplasm; Cancer breast. Identifiers: MedGen C0006142, MONDO:0007254. Disease mechanism: loss of function.

Allele frequency attached by ClinVar (database versions not stated): gnomAD 0.00008 and 0.00007; gnomAD exomes 0.00010; TOPMed 0.00009; ExAC 0.00013.

Submissions (20):

Labcorp Genetics (formerly Invitae), Labcorp
Classification: Likely benign for Familial cancer of breast. Last evaluated: 2026-02-02. Review status: criteria provided, single submitter. Criteria: Invitae Variant Classification Sherloc (09022015). Collection method: clinical testing. Allele origin: germline.

Myriad Genetics, Inc.
Classification: Likely benign for Familial cancer of breast. Last evaluated: 2025-01-16. Review status: criteria provided, single submitter. Criteria: Myriad Autosomal Dominant, Autosomal Recessive and X-Linked Classification Criteria (2023). Collection method: clinical testing. Allele origin: unknown.
Comment: This variant is considered likely benign. This variant is strongly associated with less severe personal and family histories of cancer, typical for individuals without pathogenic variants in this gene [PMID: 25085752].

Dasa
Classification: Benign for Breast-ovarian cancer, familial, susceptibility to, 5. Last evaluated: 2024-11-25. Review status: criteria provided, single submitter. Criteria: DASA Assertion Criteria. Collection method: clinical testing. Allele origin: germline.
Comment: NM_024675.4(PALB2):c.2509G>A (p.Glu837Lys) is interpreted as benign based on a combination of available evidence, including population frequency, in silico models suggesting no deleterious effect, and the mechanism of disease or impacted region being inconsistent with a known cause of pathogenicity. Based on the available data, this variant is classified as benign.

Molecular Pathology, Peter Maccallum Cancer Centre
Classification: Likely benign for Familial cancer of breast. Last evaluated: 2024-04-15. Review status: criteria provided, single submitter. Criteria: ACMG Guidelines, 2015. Collection method: clinical testing. Allele origin: germline. Inheritance: Autosomal dominant inheritance.

Quest Diagnostics Nichols Institute San Juan Capistrano
Classification: Likely benign. Last evaluated: 2024-01-09. Review status: criteria provided, single submitter. Criteria: Quest Diagnostics criteria. Collection method: clinical testing. Allele origin: unknown.

Sema4
Classification: Likely benign for Hereditary cancer-predisposing syndrome. Last evaluated: 2021-10-15. Review status: criteria provided, single submitter. Criteria: Sema4 Curation Guidelines. Collection method: curation. Allele origin: germline.

Ambry Genetics
Classification: Likely benign for Hereditary cancer-predisposing syndrome. Last evaluated: 2021-06-15. Review status: criteria provided, single submitter. Criteria: Ambry Variant Classification Scheme 2023. Collection method: clinical testing. Allele origin: germline.

Women's Health and Genetics/Laboratory Corporation of America, LabCorp
Classification: Likely benign. Last evaluated: 2020-09-04. Review status: criteria provided, single submitter. Criteria: LabCorp Variant Classification Summary - May 2015. Collection method: clinical testing. Allele origin: germline.
Comment: Variant summary: PALB2 c.2509G>A (p.Glu837Lys) results in a conservative amino acid change in the encoded protein sequence. Five of five in-silico tools predict a benign effect of the variant on protein function. The variant allele was found at a frequency of 0.0001 in 250516 control chromosomes, predominantly at a frequency of 0.0012 within the East Asian subpopulation in the gnomAD database. Specifically, the variant allele was detected at a frequency of 0.0042 within Korean controls (gnomAD) and at a frequency range of 0.0058-0.0069 within Japanese controls (Momozawa_2018 and HGVD and jMorp databases). Therefore, the observed variant frequency within East Asian control individuals is at least 8-fold of the estimated maximal expected allele frequency for a pathogenic variant in PALB2 causing Hereditary Breast And Ovarian Cancer Syndrome phenotype (0.00016), strongly suggesting that the variant is a benign polymorphism found primarily in populations of East Asian origin. Though c.2509G>A has been reported in the literature in individuals affected with Hereditary Breast and Ovarian Cancer (e.g. Nakagomi 2016, Kim 2017, Sato 2017, Shin_2020) and in a patient with Beckwith-Wiedemann syndrome and hepatoblastoma (Kim 2017), these patients were all of East Asian origin. These reports do not provide unequivocal conclusions about association of the variant with Hereditary Breast And Ovarian Cancer Syndrome. Co-occurrences with pathogenic variants have been reported (BRCA1 c.188T>A, p.L63X; PTEN c.697C>T, p.Arg233X; Internal testing), providing supporting evidence for a benign role. To our knowledge, no experimental evidence demonstrating an impact on protein function has been reported. Five ClinVar submitters (evaluation after 2014) cite the variant as benign/likely benign and five (evaluation after 2014) cite it as uncertain significance. Based on the evidence outlined above, the variant was classified as likely benign.

CHEO Genetics Diagnostic Laboratory, Children's Hospital of Eastern Ontario
Classification: Uncertain significance for Breast and/or ovarian cancer. Last evaluated: 2020-05-21. Review status: criteria provided, single submitter. Criteria: ACMG Guidelines, 2015. Collection method: clinical testing. Allele origin: germline.

GeneDx
Classification: Likely benign. Last evaluated: 2020-02-27. Review status: criteria provided, single submitter. Criteria: GeneDx Variant Classification Process June 2021. Collection method: clinical testing. Allele origin: germline. Affected: yes.
Comment: This variant is associated with the following publications: (PMID: 26411315, 29190888, 24728327, 24755471, 27783279, 24163242, 28796317, 29338689)

Mendelics
Classification: Likely benign for Familial cancer of breast. Last evaluated: 2019-05-28. Review status: criteria provided, single submitter. Criteria: Mendelics Assertion Criteria 2017. Collection method: clinical testing. Allele origin: unknown.

Cancer Genomics Group, Japanese Foundation For Cancer Research
Classification: Uncertain significance for Hereditary breast and ovarian cancer syndrome. Last evaluated: 2019-05-01. Review status: criteria provided, single submitter. Criteria: ACMG Guidelines, 2015. Collection method: research. Allele origin: germline. Affected: yes.

Genetic Services Laboratory, University of Chicago
Classification: Uncertain significance. Last evaluated: 2018-11-26. Review status: criteria provided, single submitter. Criteria: ACMG Guidelines, 2015. Collection method: clinical testing. Allele origin: germline. Affected: no.

Illumina Laboratory Services, Illumina
Classification: Uncertain significance for Fanconi anemia complementation group N. Last evaluated: 2018-01-13. Review status: criteria provided, single submitter. Criteria: ICSL Variant Classification Criteria 13 December 2019. Collection method: clinical testing. Allele origin: germline.

Color Diagnostics, LLC DBA Color Health
Classification: Likely benign for Hereditary cancer-predisposing syndrome. Last evaluated: 2016-04-05. Review status: criteria provided, single submitter. Criteria: ACMG Guidelines, 2015. Collection method: clinical testing. Allele origin: germline.

PreventionGenetics, part of Exact Sciences
Classification: Likely benign for PALB2-related condition. Last evaluated: 2024-05-06. Review status: no assertion criteria provided. Collection method: clinical testing. Allele origin: germline. Not counted in ClinVar's aggregate classification.
Comment: This variant is classified as likely benign based on ACMG/AMP sequence variant interpretation guidelines (Richards et al. 2015 PMID: 25741868, with internal and published modifications).

Leiden Open Variation Database
Classification: Benign. Last evaluated: 2018-10-10. Review status: no assertion criteria provided. Collection method: curation. Allele origin: germline. Affected: yes. Not counted in ClinVar's aggregate classification.
Comment: Curators: Marc Tischkowitz, Arleen D. Auerbach. Submitter to LOVD: Yukihide Momozawa.

True Health Diagnostics
Classification: Uncertain significance for Hereditary cancer-predisposing syndrome. Last evaluated: 2018-05-01. Review status: no assertion criteria provided. Collection method: clinical testing. Allele origin: germline. Not counted in ClinVar's aggregate classification.

ITMI
No classification provided. Condition: AllHighlyPenetrant. Last evaluated: 2013-09-19. Review status: no classification provided. Collection method: reference population. Allele origin: germline. Not counted in ClinVar's aggregate classification.
Comment: Please see associated publication for description of ethnicities

Department of Pathology and Laboratory Medicine, Sinai Health System
Classification: Likely benign for Malignant tumor of breast. Review status: no assertion criteria provided. Collection method: clinical testing. Allele origin: unknown. Affected: yes. Observed: 3 variant alleles. Study: The Canadian Open Genetics Repository (COGR). Not counted in ClinVar's aggregate classification.
Comment: The PALB2 p.Glu837Lys variant was identified in 5 of 780 proband chromosomes (frequency: 0.0064) from individuals or families with breast cancer and was present in 1 of 124 control chromosomes (frequency: 0.008) from healthy individuals (Kim 2017, Nakagomi 2016). The variant was also identified in dbSNP (ID: rs587778587) as â€šÃ„ÃºWith Pathogenic, other alleleâ€šÃ„Ã¹, ClinVar (6x, as likely benign by Invitae, Ilummina, uncertain significance by Ambry Genetics, GeneDx, and ITMI), Clinvitae (4x), Cosmic (1x, large intestine, prostate, carcinoma), databases. The variant was not identified in MutDB, LOVD 3.0, Zhejiang Colon Cancer Database, databases. The variant was identified in control databases in 30 of 276582 chromosomes at a frequency of 0.000108 in the following populations: African in 6 of 25030 chromosomes (freq. 0.00024), East Asian in 24 of 18870 chromosomes (freq. 0.0013), increasing the likelihood that this may be a low frequency benign variant in certain populations of origin (Genome Aggregation Consortium Feb 27, 2017). The variant occurs outside of the splicing consensus sequence and in silico or computational prediction software programs (SpliceSiteFinder, MaxEntScan, NNSPLICE, GeneSplicer, HumanSpliceFinder) do not predict a difference in splicing. In summary, based on the above information the clinical significance of this variant cannot be determined with certainty at this time although we would lean towards a more benign role for this variant. This variant is classified as likely benign.

Literature cited by the submitters: PubMed 25085752 (cited by Myriad Genetics, Inc.); PubMed 30287823 (cited by 5 submitters); PubMed 32019277 (cited by 3 submitters); PubMed 33309985 (cited by Quest Diagnostics Nichols Institute San Juan Capistrano and Ambry Genetics); PubMed 28380452 (cited by Quest Diagnostics Nichols Institute San Juan Capistrano and Women's Health and Genetics/Laboratory Corporation of America, LabCorp); PubMed 33471991 (cited by 3 submitters); PubMed 36243179 (cited by Quest Diagnostics Nichols Institute San Juan Capistrano); PubMed 29190888 (cited by 3 submitters); PubMed 28796317 (cited by 3 submitters); PubMed 27783279 (cited by 3 submitters); PubMed 26411315 (cited by 3 submitters); PubMed 24728327 (cited by 3 submitters).

NM_024675.4(PALB2):c.2509G>A (p.Glu837Lys)

Gene: PALB2 (partner and localizer of BRCA2; minus strand). Cytogenetic location: 16p12.2.
Variant type: single nucleotide variant.
Coding change: c.2509G>A on transcript NM_024675.4 (MANE Select); coding-DNA position 2509, G replaced by A.
Protein change: p.Glu837Lys; replaces glutamic acid 837 with lysine.
Molecular consequence: missense variant.
Genome position (GRCh38, 1-based): chr16:23,629,645, C>T on the plus strand (G>A on the coding strand, the complement: PALB2 is on the minus strand). VCF-style: chr16-23629645-C-T. GRCh37 (hg19) VCF-style: chr16-23640966-C-T.
Other names: p.E837K:GAA>AAA; short protein forms E837K.
Identifiers: ClinVar variation 128133 (VCV000128133.41), dbSNP rs587778587, ClinGen allele CA161349.